The following is an entry in ClinVar:

ClinVar aggregate classification (germline): Conflicting classifications of pathogenicity. Review status: criteria provided, conflicting classifications (1 of 4 stars). 4 submissions from 4 submitters: Likely pathogenic (1); Uncertain significance (3). Last evaluated 2025-07-30.

Conditions:
EEF1A2-related disorder. Also called: EEF1A2-related condition; EEF1A2-related disorders.
Developmental and epileptic encephalopathy, 33 (DEE33). Also called: Epileptic encephalopathy, early infantile, 33. Identifiers: Orphanet 442835, MedGen C4225337, MONDO:0014625, OMIM 616409.

Allele frequency attached by ClinVar (database versions not stated): gnomAD exomes below 0.00001.
gnomAD v4.1: 4 of 1,608,866 alleles (0.00025%); highest among the groups gnomAD compares: Non-Finnish European, 0.00025%; no homozygotes.

Submissions (4):

Labcorp Genetics (formerly Invitae), Labcorp
Classification: Uncertain significance for Developmental and epileptic encephalopathy, 33. Last evaluated: 2025-07-30. Review status: criteria provided, single submitter. Criteria: Invitae Variant Classification Sherloc (09022015). Collection method: clinical testing. Allele origin: germline.
Comment: This sequence change replaces alanine, which is neutral and non-polar, with threonine, which is neutral and polar, at codon 112 of the EEF1A2 protein (p.Ala112Thr). This variant is not present in population databases (gnomAD no frequency). This missense change has been observed in individual(s) with clinical features of EEF1A2-related conditions (internal data). ClinVar contains an entry for this variant (Variation ID: 1499482). Invitae Evidence Modeling of protein sequence and biophysical properties (such as structural, functional, and spatial information, amino acid conservation, physicochemical variation, residue mobility, and thermodynamic stability) indicates that this missense variant is not expected to disrupt EEF1A2 protein function with a negative predictive value of 80%. In summary, the available evidence is currently insufficient to determine the role of this variant in disease. Therefore, it has been classified as a Variant of Uncertain Significance.

Victorian Clinical Genetics Services, Murdoch Childrens Research Institute
Classification: Uncertain significance for Developmental and epileptic encephalopathy, 33. Last evaluated: 2023-07-17. Review status: criteria provided, single submitter. Criteria: ACMG Guidelines, 2015. Collection method: clinical testing. Allele origin: germline. Inheritance: Autosomal dominant inheritance. Affected: yes.
Comment: Based on the classification scheme VCGS_Germline_v1.3.4, this variant is classified as VUS-3A Following criteria are met: 0105 - The mechanism of disease for this gene is not clearly established. However, gain-of-function has been suggested (PMID: 32160274). (I) 0107 - This gene is associated with autosomal dominant disease. (I) 0200 - Variant is predicted to result in a missense amino acid change from alanine to threonine. (I) 0251 - This variant is heterozygous. (I) 0301 - Variant is absent from gnomAD (both v2 and v3). (SP) 0502 - Missense variant with conflicting in silico predictions and uninformative conservation. (I) 0603 - Missense variant in a region that is highly intolerant to missense variation (high constraint region in DECIPHER). (SP) 0705 - No comparable missense variants have previous evidence for pathogenicity. (I) 0809 - Previous evidence of pathogenicity for this variant is inconclusive. This variant has been classified as a VUS by a clinical laboratory in ClinVar. (I) 0905 - No published segregation evidence has been identified for this variant. (I) 1007 - No published functional evidence has been identified for this variant. (I) 1207 - Parental origin of the variant is unresolved. (I) Legend: (SP) - Supporting pathogenic, (I) - Information, (SB) - Supporting benign

GeneDx
Classification: Uncertain significance. Last evaluated: 2022-08-03. Review status: criteria provided, single submitter. Criteria: GeneDx Variant Classification Process June 2021. Collection method: clinical testing. Allele origin: germline. Affected: yes.
Comment: Not observed at significant frequency in large population cohorts (gnomAD); In silico analysis supports that this missense variant has a deleterious effect on protein structure/function; Has not been previously published as pathogenic or benign to our knowledge

Blueprint Genetics
Classification: Likely pathogenic for EEF1A2-related disorders. Last evaluated: 2021-05-24. Review status: criteria provided, single submitter. Criteria: ACMG Guidelines, 2015. Collection method: clinical testing. Allele origin: de novo. Affected: yes. Observed: 1 variant allele.

Literature cited by the submitters: PubMed 32160274 (cited by Victorian Clinical Genetics Services, Murdoch Childrens Research Institute).

NM_001958.5(EEF1A2):c.334G>A (p.Ala112Thr)

Gene: EEF1A2 (eukaryotic translation elongation factor 1 alpha 2; minus strand). Cytogenetic location: 20q13.33.
Variant type: single nucleotide variant.
Coding change: c.334G>A on transcript NM_001958.5 (MANE Select); coding-DNA position 334, G replaced by A.
Protein change: p.Ala112Thr; replaces alanine 112 with threonine.
Molecular consequence: missense variant.
Genome position (GRCh38, 1-based): chr20:63,495,092, C>T on the plus strand (G>A on the coding strand, the complement: EEF1A2 is on the minus strand). VCF-style: chr20-63495092-C-T. GRCh37 (hg19) VCF-style: chr20-62126445-C-T.
Other names: c.334G>A (NM_001958.3); short protein forms A112T.
Identifiers: ClinVar variation 1499482 (VCV001499482.9), dbSNP rs2145944978, ClinGen allele CA409650501.